The following is an entry in ClinVar:

NM_005219.5(DIAPH1):c.2009C>T (p.Pro670Leu)

Gene: DIAPH1 (diaphanous related formin 1; minus strand). Cytogenetic location: 5q31.3.
Variant type: single nucleotide variant.
Coding change: c.2009C>T on transcript NM_005219.5 (MANE Select); coding-DNA position 2009, C replaced by T.
Protein change: p.Pro670Leu; replaces proline 670 with leucine.
Molecular consequence: missense variant.
Genome position (GRCh38, 1-based): chr5:141,573,841, G>A on the plus strand (C>T on the coding strand, the complement: DIAPH1 is on the minus strand). VCF-style: chr5-141573841-G-A. GRCh37 (hg19) VCF-style: chr5-140953408-G-A.
Other names: c.1982C>T, p.Pro661Leu (NM_001079812.3); c.2009C>T, p.Pro670Leu (NM_001314007.2); short protein forms P661L, P670L.
Identifiers: ClinVar variation 475700 (VCV000475700.8), dbSNP rs751847293, ClinGen allele CA3479179.

ClinVar aggregate classification (germline): Conflicting classifications of pathogenicity. Review status: criteria provided, conflicting classifications (1 of 4 stars). 2 submissions from 2 submitters: Uncertain significance (1); Likely benign (1). Last evaluated 2024-09-20.

Conditions:
Progressive microcephaly-seizures-cortical blindness-developmental delay syndrome. Also called: Seizures, cortical blindness, and microcephaly syndrome. Identifiers: Orphanet 477814, MedGen C5567650, MONDO:0014714, OMIM 616632.
Autosomal dominant nonsyndromic hearing loss 1. Also called: KONIGSMARK SYNDROME; DEAFNESS, AUTOSOMAL DOMINANT 1, WITH OR WITHOUT THROMBOCYTOPENIA. Identifiers: Orphanet 90635, MedGen C1852282, MONDO:0007424, OMIM 124900.

Allele frequency attached by ClinVar (database versions not stated): gnomAD 0.00001; TOPMed 0.00002; gnomAD exomes 0.00004; ExAC 0.00008.
gnomAD v4.1: 15 of 1,526,198 alleles (0.00098%); highest among the groups gnomAD compares: East Asian, 0.017%; no homozygotes.

Submissions (2):

3billion
Classification: Likely benign for Progressive microcephaly-seizures-cortical blindness-developmental delay syndrome. Last evaluated: 2024-09-20. Review status: criteria provided, single submitter. Criteria: ACMG Guidelines, 2015. Collection method: clinical testing. Allele origin: germline. Affected: no.
Comment: The homozygous variant was found in patients diagnosed with another variant in a different gene, with no symptoms related to the gene containing the homozygous variant.

Labcorp Genetics (formerly Invitae), Labcorp
Classification: Uncertain significance for Progressive microcephaly-seizures-cortical blindness-developmental delay syndrome; Autosomal dominant nonsyndromic hearing loss 1. Last evaluated: 2023-10-29. Review status: criteria provided, single submitter. Criteria: Invitae Variant Classification Sherloc (09022015). Collection method: clinical testing. Allele origin: germline.
Comment: This sequence change replaces proline, which is neutral and non-polar, with leucine, which is neutral and non-polar, at codon 670 of the DIAPH1 protein (p.Pro670Leu). This variant is present in population databases (rs751847293, gnomAD 0.05%). This missense change has been observed in individual(s) with clinical features of DIAPH1-related conditions (PMID: 30896630). This variant is also known as c.1982C>T (p.Pro661Leu). ClinVar contains an entry for this variant (Variation ID: 475700). Experimental studies and prediction algorithms are not available or were not evaluated, and the functional significance of this variant is currently unknown. In summary, the available evidence is currently insufficient to determine the role of this variant in disease. Therefore, it has been classified as a Variant of Uncertain Significance.

Literature cited by the submitters: PubMed 30896630 (cited by Labcorp Genetics (formerly Invitae), Labcorp).